The following is an entry in ClinVar:

ClinVar aggregate classification (germline): Uncertain significance. Review status: criteria provided, multiple submitters, no conflicts (2 of 4 stars). 2 submissions from 2 submitters: Uncertain significance (2). Last evaluated 2022-08-16.

gnomAD v4.1: 1 of 1,614,214 alleles (0.000062%); highest among the groups gnomAD compares: Non-Finnish European, 0.000085%; no homozygotes.

Submissions (2):

Labcorp Genetics (formerly Invitae), Labcorp
Classification: Uncertain significance. Last evaluated: 2022-08-16. Review status: criteria provided, single submitter. Criteria: Invitae Variant Classification Sherloc (09022015). Collection method: clinical testing. Allele origin: germline.
Comment: ClinVar contains an entry for this variant (Variation ID: 1427401). Algorithms developed to predict the effect of missense changes on protein structure and function are either unavailable or do not agree on the potential impact of this missense change (SIFT: "Deleterious"; PolyPhen-2: "Benign"; Align-GVGD: "Class C0"). In summary, the available evidence is currently insufficient to determine the role of this variant in disease. Therefore, it has been classified as a Variant of Uncertain Significance. This variant has not been reported in the literature in individuals affected with SNRNP200-related conditions. This sequence change replaces aspartic acid, which is acidic and polar, with histidine, which is basic and polar, at codon 95 of the SNRNP200 protein (p.Asp95His). This variant is present in population databases (rs766742688, gnomAD 0.0009%).

Blueprint Genetics
Classification: Uncertain significance. Last evaluated: 2021-08-02. Review status: criteria provided, single submitter. Criteria: ACMG Guidelines, 2015. Collection method: clinical testing. Allele origin: germline.

NM_014014.5(SNRNP200):c.283G>C (p.Asp95His)

Gene: SNRNP200 (small nuclear ribonucleoprotein U5 subunit 200; minus strand). Cytogenetic location: 2q11.2.
Variant type: single nucleotide variant.
Coding change: c.283G>C on transcript NM_014014.5 (MANE Select); coding-DNA position 283, G replaced by C.
Protein change: p.Asp95His; replaces aspartic acid 95 with histidine.
Molecular consequence: missense variant.
Genome position (GRCh38, 1-based): chr2:96,303,257, C>G on the plus strand (G>C on the coding strand, the complement: SNRNP200 is on the minus strand). VCF-style: chr2-96303257-C-G. GRCh37 (hg19) VCF-style: chr2-96968995-C-G.
Other names: short protein forms D95H.
Identifiers: ClinVar variation 1427401 (VCV001427401.9), dbSNP rs766742688, ClinGen allele CA1779217.